The following is an entry in ClinVar:

ClinVar aggregate classification (germline): Likely benign (0 of 4 stars; one submission).

Conditions:
LIN7B-related disorder. Also called: LIN7B-related condition.

Allele frequency attached by ClinVar (database versions not stated): gnomAD 0.00008.

Submission:

PreventionGenetics, part of Exact Sciences
Classification: Likely benign for LIN7B-related condition. Last evaluated: 2019-03-05. Review status: no assertion criteria provided. Collection method: clinical testing. Allele origin: germline.
Comment: This variant is classified as likely benign based on ACMG/AMP sequence variant interpretation guidelines (Richards et al. 2015 PMID: 25741868, with internal and published modifications).

NM_022165.3(LIN7B):c.201C>A (p.Ala67=)

Gene: LIN7B (lin-7 homolog B, crumbs cell polarity complex component; plus strand). Cytogenetic location: 19q13.33.
Variant type: single nucleotide variant.
Coding change: c.201C>A on transcript NM_022165.3 (MANE Select); coding-DNA position 201, C replaced by A.
Protein change: p.Ala67=; no amino-acid change (alanine 67 retained).
Molecular consequence: synonymous variant.
Genome position (GRCh38, 1-based): chr19:49,115,304, C>A. VCF-style: chr19-49115304-C-A. GRCh37 (hg19) VCF-style: chr19-49618561-C-A.
Other names: c.201C>A, p.Ala67= (NM_001308419.2).
Identifiers: ClinVar variation 3051036 (VCV003051036.2), dbSNP rs775686153, ClinGen allele CA508092449.
Genomic context (GRCh38, chr19:49,115,304, plus strand): 5'-CTGCCTCCTCACCCAGGTGTATGAGCAGCTTTATGACACGCTGGACATCACCGGCAGCGC[C>A]GAGATCCGAGCCCATGCCACAGCCAAGGTGGGCCCCGCACCCCATTGCTCCTGGTGTCTA-3'
Protein context (NP_071448.1, residues 57-77): LYDTLDITGS[Ala67=]EIRAHATAKA